The following is an entry in ClinVar:

NM_004836.7(EIF2AK3):c.2539TCT[2] (p.Ser849del)

Genes: EIF2AK3-AS1 (EIF2AK3 antisense RNA 1; plus strand), EIF2AK3 (eukaryotic translation initiation factor 2 alpha kinase 3; minus strand). Cytogenetic location: 2p11.2.
Variant type: Microsatellite.
Coding change: c.2539TCT[2] on transcript NM_004836.7 (MANE Select); two copies in a row of the 3-base unit TCT starting at c.2539; the reference has three copies in a row; one copy, 3 bases deleted; also written c.2545_2547del.
Protein change: p.Ser849del; deletes serine 849.
Molecular consequence: inframe deletion. On other transcripts: non-coding transcript variant (1).
Genome position (GRCh38, 1-based): chr2:88,574,936-88,574,938, AGA deleted on the plus strand (TCT on the coding strand, the reverse complement: EIF2AK3 is on the minus strand); deleting any 3 consecutive bases within chr2:88,574,936-88,574,944 gives the same sequence; the position shown is the placement nearest the transcript's 3' end. VCF-style (leftmost placement, unchanged base first): chr2-88574935-CAGA-C. GRCh37 (hg19) VCF-style: chr2-88874453-CAGA-C.
Other names: c.2086TCT[2], p.Ser698del (NM_001313915.2); c.2545_2547del (NM_004836.7); short protein forms S849del, S698del.
Identifiers: ClinVar variation 1438494 (VCV001438494.7), dbSNP rs758593623, ClinGen allele CA1754432.

ClinVar aggregate classification (germline): Uncertain significance. Review status: criteria provided, multiple submitters, no conflicts (2 of 4 stars). 2 submissions from 2 submitters: Uncertain significance (2). Last evaluated 2023-12-18.

Conditions:
Wolcott-Rallison dysplasia. Also called: MED-IDDM SYNDROME; Wolcott-Rallison syndrome. Identifiers: Orphanet 1667, MedGen C0432217, MONDO:0009192, OMIM 226980.

Submissions (2):

Labcorp Genetics (formerly Invitae), Labcorp
Classification: Uncertain significance. Last evaluated: 2023-12-18. Review status: criteria provided, single submitter. Criteria: Invitae Variant Classification Sherloc (09022015). Collection method: clinical testing. Allele origin: germline.
Comment: This variant, c.2545_2547del, results in the deletion of 1 amino acid(s) of the EIF2AK3 protein (p.Ser849del), but otherwise preserves the integrity of the reading frame. This variant is present in population databases (rs758593623, gnomAD 0.007%). This variant has not been reported in the literature in individuals affected with EIF2AK3-related conditions. Experimental studies and prediction algorithms are not available or were not evaluated, and the functional significance of this variant is currently unknown. In summary, the available evidence is currently insufficient to determine the role of this variant in disease. Therefore, it has been classified as a Variant of Uncertain Significance.

Fulgent Genetics
Classification: Uncertain significance for Wolcott-Rallison dysplasia. Last evaluated: 2022-03-04. Review status: criteria provided, single submitter. Criteria: ACMG Guidelines, 2015. Collection method: clinical testing. Allele origin: unknown.